The following is an entry in ClinVar:

NM_144997.7(FLCN):c.619-2A>C

Gene: FLCN (folliculin; minus strand). Cytogenetic location: 17p11.2.
Variant type: single nucleotide variant.
Coding change: c.619-2A>C on transcript NM_144997.7 (MANE Select); the canonical splice acceptor site of the intron before coding-DNA position 619, A replaced by C.
Molecular consequence: splice acceptor variant.
Genome position (GRCh38, 1-based): chr17:17,222,663, T>G on the plus strand (A>C on the coding strand, the complement: FLCN is on the minus strand). VCF-style: chr17-17222663-T-G. GRCh37 (hg19) VCF-style: chr17-17125977-T-G.
Other names: c.619-2A>C (NM_001353231.2, NM_001353230.2, NM_144606.7); c.673-2A>C (NM_001353229.2).
Identifiers: ClinVar variation 3254315 (VCV003254315.1), dbSNP rs2544236108.
Genomic context (GRCh38, chr17:17,222,663, plus strand): 5'-AAGGCTGTGTTCATCCTCTGAGCACGCTGTGGGCATCCAAACTGCTCTGCCTCAAACACC[T>G]GAAATGCAAAGGGAAGGGATGGCCTCTTTAAGCCAAAGCTGCCAGCAGCTCGGACCCCTA-3'

ClinVar aggregate classification (germline): Likely pathogenic (1 of 4 stars; one submission).

Conditions:
Birt-Hogg-Dube syndrome 1 (BHD1). Also called: FIBROFOLLICULOMAS WITH TRICHODISCOMAS AND ACROCHORDONS. Identifiers: Orphanet 122, MedGen CN375946, MONDO:0800445, OMIM 135150.

Submission:

Myriad Genetics, Inc.
Classification: Likely pathogenic for Birt-Hogg-Dube syndrome 1. Last evaluated: 2024-05-29. Review status: criteria provided, single submitter. Criteria: Myriad Autosomal Dominant, Autosomal Recessive and X-Linked Classification Criteria (2023). Collection method: clinical testing. Allele origin: unknown.
Comment: This variant is considered likely pathogenic. This variant occurs within a consensus splice junction and is predicted to result in abnormal mRNA splicing of either an out-of-frame exon or an in-frame exon necessary for protein stability and/or normal function.